The following is an entry in ClinVar:

ClinVar aggregate classification (germline): Likely benign. Review status: criteria provided, multiple submitters, no conflicts (2 of 4 stars). 2 submissions from 2 submitters: Likely benign (2). Last evaluated 2026-08-01.

Allele frequency attached by ClinVar (database versions not stated): TOPMed below 0.00001; ExAC 0.00001.
gnomAD v4.1: 8 of 1,210,526 alleles (0.00066%); highest among the groups gnomAD compares: Admixed American, 0.0022%; no homozygotes.

Submissions (2):

CeGaT Center for Human Genetics Tuebingen
Classification: Likely benign. Last evaluated: 2026-08-01. Review status: criteria provided, single submitter. Criteria: CeGaT Center For Human Genetics Tuebingen Variant Classification Criteria Version 2. Collection method: clinical testing. Allele origin: germline. Affected: yes. Observed: 1 variant allele.
Comment: CLCN4: PP3, BS2

Labcorp Genetics (formerly Invitae), Labcorp
Classification: Likely benign. Last evaluated: 2025-03-11. Review status: criteria provided, single submitter. Criteria: Invitae Variant Classification Sherloc (09022015). Collection method: clinical testing. Allele origin: germline.

NM_001830.4(CLCN4):c.1810C>T (p.Arg604Trp)

Gene: CLCN4 (Cl-/H+ antiporter 4; plus strand). Cytogenetic location: Xp22.2.
Variant type: single nucleotide variant.
Coding change: c.1810C>T on transcript NM_001830.4 (MANE Select); coding-DNA position 1810, C replaced by T.
Protein change: p.Arg604Trp; replaces arginine 604 with tryptophan.
Molecular consequence: missense variant.
Genome position (GRCh38, 1-based): chrX:10,213,914, C>T. VCF-style: chrX-10213914-C-T. GRCh37 (hg19) VCF-style: chrX-10181954-C-T.
Other names: c.1528C>T, p.Arg510Trp (NM_001256944.2); short protein forms R604W, R510W.
Identifiers: ClinVar variation 2999396 (VCV002999396.4), dbSNP rs760806121, ClinGen allele CA10347295.